The following is an entry in ClinVar:

ClinVar aggregate classification (germline): Uncertain significance (1 of 4 stars; one submission).

Conditions:
RPL19-related disorder. Also called: RPL19-related condition.

Submission:

PreventionGenetics, part of Exact Sciences
Classification: Uncertain significance for RPL19-related condition. Last evaluated: 2025-03-25. Review status: criteria provided, single submitter. Criteria: ACMG Guidelines, 2015. Collection method: clinical testing. Allele origin: germline.
Comment: The RPL19 c.451C>G variant is predicted to result in the amino acid substitution p.Arg151Gly. To our knowledge, this variant has not been reported in the literature or in a large population database (gnomAD), indicating this variant is rare. At this time, the clinical significance of this variant is uncertain due to the absence of conclusive functional and genetic evidence.

NM_000981.4(RPL19):c.451C>G (p.Arg151Gly)

Gene: RPL19 (ribosomal protein L19; plus strand). Cytogenetic location: 17q12.
Variant type: single nucleotide variant.
Coding change: c.451C>G on transcript NM_000981.4 (MANE Select); coding-DNA position 451, C replaced by G.
Protein change: p.Arg151Gly; replaces arginine 151 with glycine.
Molecular consequence: missense variant.
Genome position (GRCh38, 1-based): chr17:39,204,171, C>G. VCF-style: chr17-39204171-C-G. GRCh37 (hg19) VCF-style: chr17-37360424-C-G.
Other names: c.445C>G, p.Arg149Gly (NM_001330200.1); short protein forms R151G, R149G.
Identifiers: ClinVar variation 4983580 (VCV004983580.1).